The following is an entry in ClinVar:

NM_001040142.2(SCN2A):c.640T>C (p.Ser214Pro)

Gene: SCN2A (sodium voltage-gated channel alpha subunit 2; plus strand). Cytogenetic location: 2q24.3.
Variant type: single nucleotide variant.
Coding change: c.640T>C on transcript NM_001040142.2 (MANE Select); coding-DNA position 640, T replaced by C.
Protein change: p.Ser214Pro; replaces serine 214 with proline.
Molecular consequence: missense variant. On other transcripts: intron variant (2).
Genome position (GRCh38, 1-based): chr2:165,309,386, T>C. VCF-style: chr2-165309386-T-C. GRCh37 (hg19) VCF-style: chr2-166165896-T-C.
Other names: c.640T>C, p.Ser214Pro (NM_001371247.1, NM_021007.3); c.697+130T>C (NM_001040143.2, NM_001371246.1); short protein forms S214P.
Identifiers: ClinVar variation 372557 (VCV000372557.5), dbSNP rs1057517854, ClinGen allele CA16042425.

ClinVar aggregate classification (germline): Likely pathogenic. Review status: criteria provided, single submitter (1 of 4 stars). 2 submissions from 2 submitters: Likely pathogenic (1). 1 of the submissions does not count toward it. Last evaluated 2015-11-09.

Conditions:
West syndrome. Also called: Infantile epileptic spasms syndrome. Identifiers: Orphanet 3451, Orphanet 697160, MedGen C0037769, MONDO:0018097. Disease mechanism: loss of function.

Submissions (2):

GeneDx
Classification: Likely pathogenic. Last evaluated: 2015-11-09. Review status: criteria provided, single submitter. Criteria: GeneDx Variant Classification (06012015). Collection method: clinical testing. Allele origin: germline. Affected: yes.
Comment: The S214P variant in the SCN2A gene has not been reported previously as a pathogenic variant, noras a benign variant, to our knowledge. The S214P variant was not observed in approximately 6500individuals of European and African American ancestry in the NHLBI Exome Sequencing Project,indicating it is not a common benign variant in these populations. The S214P variant is anon-conservative amino acid substitution, which is likely to impact secondary protein structure asthese residues differ in polarity, charge, size and/or other properties. This substitution occurs at aposition that is conserved in mammals. In silico analysis predicts this variant is probably damaging tothe protein structure/function. Missense variants in nearby residues (V208E, G211D, N212D, V213D,R223Q) have been reported in the Human Gene Mutation Database in association with SCN2A-relatedseizure disorders (Stenson et al., 2014), supporting the functional importance of this region of theprotein. The S214P variant is a strong candidate for a pathogenic variant.

Neurology Department, Shenzhen Children's Hospital
Classification: Pathogenic. Last evaluated: 2022-02-16. Review status: no assertion criteria provided. Collection method: clinical testing. Allele origin: de novo. Affected: yes. Not counted in ClinVar's aggregate classification.